The following is an entry in ClinVar:

NM_000094.4(COL7A1):c.4689del (p.Arg1565fs)

Gene: COL7A1 (collagen type VII alpha 1 chain; minus strand). Cytogenetic location: 3p21.31.
Variant type: Deletion.
Coding change: c.4689del on transcript NM_000094.4 (MANE Select); coding-DNA position 4689, one base deleted (G; older notation c.4689delG).
Protein change: p.Arg1565fs; shifts the reading frame from arginine 1565.
Molecular consequence: frameshift variant.
Genome position (GRCh38, 1-based): chr3:48,581,739, C deleted on the plus strand (G on the coding strand, the reverse complement: COL7A1 is on the minus strand); the first of 3 consecutive C bases (chr3:48,581,739-48,581,741); deleting any one gives the same sequence. VCF-style (leftmost placement, unchanged base first): chr3-48581738-GC-G. GRCh37 (hg19) VCF-style: chr3-48619171-GC-G.
Other names: short protein forms R1565fs.
Identifiers: ClinVar variation 5014148 (VCV005014148.1).
Genomic context (GRCh38, chr3:48,581,738, plus strand): 5'-TGCCCCCTAAACACTTCGCTTCACTTACCCGTTCCCCTTGGACTCCGGTAGCTCCTCTGG[GC>G]CCAGCGGGCCCCACATCTCCCTGGAGGTGACAAAGACCATCAGTGCTAGTCCCAGGCTCC-3'

ClinVar aggregate classification (germline): Pathogenic (1 of 4 stars; one submission).

Conditions:
Recessive dystrophic epidermolysis bullosa (RDEB). Also called: DYSTROPHIC EPIDERMOLYSIS BULLOSA, AUTOSOMAL RECESSIVE; EPIDERMOLYSIS BULLOSA DYSTROPHICA, HALLOPEAU-SIEMENS TYPE; Hallopeau-Siemens Disease; severe generalized recessive dystrophic epidermolysis bullosa; EPIDERMOLYSIS BULLOSA DYSTROPHICA, GENERALIZED SEVERE, AUTOSOMAL RECESSIVE; Epidermolysis Bullosa Distrophica Autosomal Recessive (RDEB). Identifiers: Orphanet 79408, Orphanet 79409, MedGen C0079474, MONDO:0009179, OMIM 226600.

Submission:

Myriad Genetics, Inc.
Classification: Pathogenic for Recessive dystrophic epidermolysis bullosa. Last evaluated: 2025-02-28. Review status: criteria provided, single submitter. Criteria: Myriad Autosomal Dominant, Autosomal Recessive and X-Linked Classification Criteria (2023). Collection method: clinical testing. Allele origin: unknown.
Comment: NM_000094.3(COL7A1):c.4689delG(R1565Efs*145) is expected to be pathogenic in the context of dystrophic epidermolysis bullosa. This variant is predicted to lead to an abnormal or absent protein product due to the creation of a premature termination codon in COL7A1, a gene where loss-of-function variants are known to be pathogenic. Please note: this variant was assessed in the context of healthy population screening.